The following is an entry in ClinVar:

ClinVar aggregate classification (germline): Conflicting classifications of pathogenicity. Review status: criteria provided, conflicting classifications (1 of 4 stars). 2 submissions from 2 submitters: Uncertain significance (1); Likely benign (1). Last evaluated 2026-06-12.

Conditions:
Familial thoracic aortic aneurysm and aortic dissection (TAAD). Also called: Thoracic aortic aneurysms and dissections. Identifiers: Orphanet 91387, MedGen C4707243, MONDO:0019625.
Melnick-Needles syndrome (MNS). Also called: OSTEODYSPLASTY OF MELNICK AND NEEDLES; Melnick-Needles Syndrome (FLNA-MNS); MELNICK-NEEDLES OSTEODYSPLASTY. Identifiers: Orphanet 2484, MedGen C0025237, MONDO:0010650, OMIM 309350.
Frontometaphyseal dysplasia (FMD1). Identifiers: Orphanet 1826, MedGen C0265293, MONDO:0015942.
Oto-palato-digital syndrome, type II (OPD2). Also called: OPD II SYNDROME; Otopalatodigital Syndrome, Type II; Otopalatodigital Syndrome Type 2 (FLNA-OPD2); FACIOPALATOOSSEOUS SYNDROME. Identifiers: Orphanet 669, Orphanet 90652, MedGen C1844696, MONDO:0010571, OMIM 304120.
Heterotopia, periventricular, X-linked dominant (PVNH1). Also called: PERIVENTRICULAR NODULAR HETEROTOPIA 1; X-linked periventricular heterotopia; PERIVENTRICULAR NODULAR HETEROTOPIA 4; HETEROTOPIA, PERIVENTRICULAR, 1. Identifiers: Orphanet 2149, Orphanet 82004, MedGen C1848213, MONDO:0010233, OMIM 300049.

Allele frequency attached by ClinVar (database versions not stated): TOPMed below 0.00001; gnomAD 0.00001.
gnomAD v4.1: 5 of 1,209,777 alleles (0.00041%); highest among the groups gnomAD compares: Admixed American, 0.0087%; no homozygotes.

Submissions (2):

Ambry Genetics
Classification: Uncertain significance for Familial thoracic aortic aneurysm and aortic dissection. Last evaluated: 2026-06-12. Review status: criteria provided, single submitter. Criteria: Ambry Variant Classification Scheme 2023. Collection method: clinical testing. Allele origin: germline.
Comment: The p.A745T variant (also known as c.2233G>A), located in coding exon 14 of the FLNA gene, results from a G to A substitution at nucleotide position 2233. The alanine at codon 745 is replaced by threonine, an amino acid with similar properties. This amino acid position is conserved. In addition, this alteration is predicted to be tolerated by in silico analysis. Based on the available evidence, the clinical significance of this variant remains unclear.

Labcorp Genetics (formerly Invitae), Labcorp
Classification: Likely benign for Oto-palato-digital syndrome, type II; Heterotopia, periventricular, X-linked dominant; Frontometaphyseal dysplasia; Melnick-Needles syndrome. Last evaluated: 2025-08-29. Review status: criteria provided, single submitter. Criteria: Invitae Variant Classification Sherloc (09022015). Collection method: clinical testing. Allele origin: germline.

NM_001110556.2(FLNA):c.2233G>A (p.Ala745Thr)

Gene: FLNA (filamin A; minus strand). Cytogenetic location: Xq28.
Variant type: single nucleotide variant.
Coding change: c.2233G>A on transcript NM_001110556.2 (MANE Select); coding-DNA position 2233, G replaced by A.
Protein change: p.Ala745Thr; replaces alanine 745 with threonine.
Molecular consequence: missense variant.
Genome position (GRCh38, 1-based): chrX:154,364,069, C>T on the plus strand (G>A on the coding strand, the complement: FLNA is on the minus strand). VCF-style: chrX-154364069-C-T. GRCh37 (hg19) VCF-style: chrX-153592437-C-T.
Other names: c.2233G>A (NM_001456.3); c.2233G>A, p.Ala745Thr (NM_001456.4); short protein forms A745T.
Identifiers: ClinVar variation 2066702 (VCV002066702.5), dbSNP rs1336740117, ClinGen allele CA415237741.